The following is an entry in ClinVar:

NM_017654.4(SAMD9):c.3205G>A (p.Ala1069Thr)

Gene: SAMD9 (sterile alpha motif domain containing 9; minus strand). Cytogenetic location: 7q21.2.
Variant type: single nucleotide variant.
Coding change: c.3205G>A on transcript NM_017654.4 (MANE Select); coding-DNA position 3205, G replaced by A.
Protein change: p.Ala1069Thr; replaces alanine 1069 with threonine.
Molecular consequence: missense variant.
Genome position (GRCh38, 1-based): chr7:93,102,893, C>T on the plus strand (G>A on the coding strand, the complement: SAMD9 is on the minus strand). VCF-style: chr7-93102893-C-T. GRCh37 (hg19) VCF-style: chr7-92732206-C-T.
Other names: c.3205G>A (NM_017654.3); c.3205G>A, p.Ala1069Thr (NM_001193307.2); short protein forms A1069T.
Identifiers: ClinVar variation 2756996 (VCV002756996.4), dbSNP rs1791559562, ClinGen allele CA368188548.

ClinVar aggregate classification (germline): Uncertain significance. Review status: criteria provided, multiple submitters, no conflicts (2 of 4 stars). 2 submissions from 2 submitters: Uncertain significance (2). Last evaluated 2025-02-24.

Conditions:
Inborn genetic diseases. Identifiers: MedGen C0950123, MeSH D030342.

Submissions (2):

Ambry Genetics
Classification: Uncertain significance for Inborn genetic diseases. Last evaluated: 2025-02-24. Review status: criteria provided, single submitter. Criteria: Ambry Variant Classification Scheme 2023. Collection method: clinical testing. Allele origin: germline.
Comment: The p.A1069T variant (also known as c.3205G>A), located in coding exon 1 of the SAMD9 gene, results from a G to A substitution at nucleotide position 3205. The alanine at codon 1069 is replaced by threonine, an amino acid with similar properties. This amino acid position is conserved. In addition, this alteration is predicted to be tolerated by in silico analysis. Based on the available evidence, the clinical significance of this variant remains unclear.

Labcorp Genetics (formerly Invitae), Labcorp
Classification: Uncertain significance. Last evaluated: 2023-12-11. Review status: criteria provided, single submitter. Criteria: Invitae Variant Classification Sherloc (09022015). Collection method: clinical testing. Allele origin: germline.
Comment: This sequence change replaces alanine, which is neutral and non-polar, with threonine, which is neutral and polar, at codon 1069 of the SAMD9 protein (p.Ala1069Thr). This variant is not present in population databases (gnomAD no frequency). This variant has not been reported in the literature in individuals affected with SAMD9-related conditions. Advanced modeling of protein sequence and biophysical properties (such as structural, functional, and spatial information, amino acid conservation, physicochemical variation, residue mobility, and thermodynamic stability) performed at Invitae indicates that this missense variant is not expected to disrupt SAMD9 protein function with a negative predictive value of 95%. In summary, the available evidence is currently insufficient to determine the role of this variant in disease. Therefore, it has been classified as a Variant of Uncertain Significance.